The following is an entry in ClinVar:

NM_001177316.2(SLC34A3):c.-8C>G

Gene: SLC34A3 (solute carrier family 34 member 3; plus strand). Cytogenetic location: 9q34.3.
Variant type: single nucleotide variant.
Coding change: c.-8C>G on transcript NM_001177316.2 (MANE Select); 8 bases upstream of the start codon, C replaced by G.
Molecular consequence: 5 prime UTR variant.
Genome position (GRCh38, 1-based): chr9:137,231,695, C>G. VCF-style: chr9-137231695-C-G. GRCh37 (hg19) VCF-style: chr9-140126147-C-G.
Other names: c.-8C>G (NM_001177317.2, NM_080877.3).
Identifiers: ClinVar variation 4526171 (VCV004526171.1).

ClinVar aggregate classification (germline): Uncertain significance (1 of 4 stars; one submission).

Submission:

Women's Health and Genetics/Laboratory Corporation of America, LabCorp
Classification: Uncertain significance. Last evaluated: 2025-07-31. Review status: criteria provided, single submitter. Criteria: LabCorp Variant Classification Summary - May 2015. Collection method: clinical testing. Allele origin: germline.
Comment: Variant summary: SLC34A3 c.-8C>G is located in the untranslated mRNA region upstream of the initiation codon. The variant allele was found at a frequency of 8e-06 in 250868 control chromosomes. The available data on variant occurrences in the general population are insufficient to allow any conclusion about variant significance. To our knowledge, no occurrence of c.-8C>G in individuals affected with Hereditary Hypophosphatemic Rickets With Hypercalciuria and no experimental evidence demonstrating its impact on protein function have been reported. No submitters have cited clinical-significance assessments for this variant to ClinVar. Based on the evidence outlined above, the variant was classified as uncertain significance.